The following is an entry in ClinVar:

ClinVar aggregate classification (germline): Uncertain significance (1 of 4 stars; one submission).

Conditions:
Emery-Dreifuss muscular dystrophy 5, autosomal dominant (EDMD5). Also called: EMERY-DREIFUSS MUSCULAR DYSTROPHY 5. Identifiers: Orphanet 261, MedGen C2751805, MONDO:0013072, OMIM 612999.

Allele frequency attached by ClinVar (database versions not stated): TOPMed below 0.00001.
gnomAD v4.1: 5 of 1,614,114 alleles (0.00031%); highest among the groups gnomAD compares: African/African-American, 0.0013%; no homozygotes.

Submission:

Labcorp Genetics (formerly Invitae), Labcorp
Classification: Uncertain significance for Emery-Dreifuss muscular dystrophy 5, autosomal dominant. Last evaluated: 2023-12-09. Review status: criteria provided, single submitter. Criteria: Invitae Variant Classification Sherloc (09022015). Collection method: clinical testing. Allele origin: germline.
Comment: This sequence change replaces arginine, which is basic and polar, with cysteine, which is neutral and slightly polar, at codon 5134 of the SYNE2 protein (p.Arg5134Cys). This variant is not present in population databases (gnomAD no frequency). This variant has not been reported in the literature in individuals affected with SYNE2-related conditions. An algorithm developed to predict the effect of missense changes on protein structure and function (PolyPhen-2) suggests that this variant is likely to be disruptive. In summary, the available evidence is currently insufficient to determine the role of this variant in disease. Therefore, it has been classified as a Variant of Uncertain Significance.

NM_182914.3(SYNE2):c.15400C>T (p.Arg5134Cys)

Gene: SYNE2 (spectrin repeat containing nuclear envelope protein 2; plus strand). Cytogenetic location: 14q23.2.
Variant type: single nucleotide variant.
Coding change: c.15400C>T on transcript NM_182914.3 (MANE Select); coding-DNA position 15400, C replaced by T.
Protein change: p.Arg5134Cys; replaces arginine 5134 with cysteine.
Molecular consequence: missense variant.
Genome position (GRCh38, 1-based): chr14:64,143,865, C>T. VCF-style: chr14-64143865-C-T. GRCh37 (hg19) VCF-style: chr14-64610583-C-T.
Other names: c.15400C>T, p.Arg5134Cys (NM_015180.6); short protein forms R5134C.
Identifiers: ClinVar variation 2888815 (VCV002888815.3), dbSNP rs750776181, ClinGen allele CA261814304.